The following is an entry in ClinVar:

ClinVar aggregate classification (germline): Uncertain significance. Review status: criteria provided, multiple submitters, no conflicts (2 of 4 stars). 2 submissions from 2 submitters: Uncertain significance (2). Last evaluated 2024-08-10.

Conditions:
Inborn genetic diseases. Identifiers: MedGen C0950123, MeSH D030342.

Submissions (2):

Ambry Genetics
Classification: Uncertain significance for Inborn genetic diseases. Last evaluated: 2024-08-10. Review status: criteria provided, single submitter. Criteria: Ambry Variant Classification Scheme 2023. Collection method: clinical testing. Allele origin: germline.

Labcorp Genetics (formerly Invitae), Labcorp
Classification: Uncertain significance. Last evaluated: 2024-04-25. Review status: criteria provided, single submitter. Criteria: Invitae Variant Classification Sherloc (09022015). Collection method: clinical testing. Allele origin: germline.
Comment: This sequence change replaces leucine, which is neutral and non-polar, with phenylalanine, which is neutral and non-polar, at codon 146 of the SERPING1 protein (p.Leu146Phe). This variant is present in population databases (rs754504777, gnomAD 0.0009%). This variant has not been reported in the literature in individuals affected with SERPING1-related conditions. Advanced modeling of protein sequence and biophysical properties (such as structural, functional, and spatial information, amino acid conservation, physicochemical variation, residue mobility, and thermodynamic stability) performed at Invitae indicates that this missense variant is expected to disrupt SERPING1 protein function with a positive predictive value of 80%. In summary, the available evidence is currently insufficient to determine the role of this variant in disease. Therefore, it has been classified as a Variant of Uncertain Significance.

NM_000062.3(SERPING1):c.438G>T (p.Leu146Phe)

Gene: SERPING1 (serpin family G member 1; plus strand). Cytogenetic location: 11q12.1.
Variant type: single nucleotide variant.
Coding change: c.438G>T on transcript NM_000062.3 (MANE Select); coding-DNA position 438, G replaced by T.
Protein change: p.Leu146Phe; replaces leucine 146 with phenylalanine.
Molecular consequence: missense variant.
Genome position (GRCh38, 1-based): chr11:57,600,265, G>T. VCF-style: chr11-57600265-G-T. GRCh37 (hg19) VCF-style: chr11-57367738-G-T.
Other names: c.438G>T, p.Leu146Phe (NM_001032295.2); short protein forms L146F.
Identifiers: ClinVar variation 3440084 (VCV003440084.3).